The following is an entry in ClinVar:

NC_000017.10:g.(?_59876451)_(59886128_?)del

Gene: BRIP1 (BRCA1 interacting DNA helicase 1; minus strand). Cytogenetic location: 17q23.2.
Variant type: Deletion.
Identifiers: ClinVar variation 1074437 (VCV001074437.4).

ClinVar aggregate classification (germline): Pathogenic (1 of 4 stars; one submission).

Conditions:
Fanconi anemia complementation group J. Also called: BRIP1-Related Fanconi Anemia. Identifiers: Orphanet 84, MedGen C1836860, MONDO:0012187, OMIM 609054.
Familial cancer of breast. Also called: BREAST CANCER, FAMILIAL; hereditary breast carcinoma; Hereditary breast cancer. Identifiers: Orphanet 227535, MedGen C0346153, MONDO:0016419, OMIM 114480. Disease mechanism: loss of function.

Submission:

Labcorp Genetics (formerly Invitae), Labcorp
Classification: Pathogenic for Familial cancer of breast; Fanconi anemia complementation group J. Last evaluated: 2020-02-06. Review status: criteria provided, single submitter. Criteria: Invitae Variant Classification Sherloc (09022015). Collection method: clinical testing. Allele origin: germline.
Comment: For these reasons, this variant has been classified as Pathogenic. Loss-of-function variants in BRIP1 are known to be pathogenic (PMID: 16116423, 17033622, 21964575). This variant has not been reported in the literature in individuals with BRIP1-related conditions. This variant is an out-of-frame deletion of the genomic region encompassing exons 7-9 of the BRIP1 gene. This is expected to create a premature translational stop signal and result in an absent or disrupted protein product.

Literature cited by the submitters: PubMed 16116423; PubMed 17033622; PubMed 21964575.